The following is an entry in ClinVar:

NM_007186.6(CEP250):c.6950C>T (p.Ala2317Val)

Gene: CEP250 (centrosomal protein 250; plus strand). Cytogenetic location: 20q11.22.
Variant type: single nucleotide variant.
Coding change: c.6950C>T on transcript NM_007186.6 (MANE Select); coding-DNA position 6950, C replaced by T.
Protein change: p.Ala2317Val; replaces alanine 2317 with valine.
Molecular consequence: missense variant.
Genome position (GRCh38, 1-based): chr20:35,508,986, C>T. VCF-style: chr20-35508986-C-T. GRCh37 (hg19) VCF-style: chr20-34096815-C-T.
Other names: c.5054C>T, p.Ala1685Val (NM_001318219.1); short protein forms A2317V, A1685V.
Identifiers: ClinVar variation 1479773 (VCV001479773.6), dbSNP rs372133442, ClinGen allele CA9834196.
Genomic context (GRCh38, chr20:35,508,986, plus strand): 5'-TATTTGCACCTTGGCAGGTGGAGCGAGAACGGAGGAAGCTGAAGAGGGAGGCCATGCGTG[C>T]GGCCCAGGCAGGGTCCCTAGAGATCAGCAAGGCCACGGCTTCTTCACCCACACAGCAGGT-3'
Protein context (NP_009117.2, residues 2307-2327): RRKLKREAMR[Ala2317Val]AQAGSLEISK

ClinVar aggregate classification (germline): Uncertain significance (1 of 4 stars; one submission).

Allele frequency attached by ClinVar (database versions not stated): TOPMed below 0.00001; gnomAD 0.00001; gnomAD exomes 0.00001; ExAC 0.00005; ESP Exome Variant Server 0.00008.
gnomAD v4.1: 18 of 1,558,150 alleles (0.0012%); highest among the groups gnomAD compares: Middle Eastern, 0.017%; no homozygotes.

Submission:

Labcorp Genetics (formerly Invitae), Labcorp
Classification: Uncertain significance. Last evaluated: 2021-04-06. Review status: criteria provided, single submitter. Criteria: Invitae Variant Classification Sherloc (09022015). Collection method: clinical testing. Allele origin: germline.
Comment: In summary, the available evidence is currently insufficient to determine the role of this variant in disease. Therefore, it has been classified as a Variant of Uncertain Significance. Algorithms developed to predict the effect of missense changes on protein structure and function output the following: SIFT: "Not Available"; PolyPhen-2: "Benign"; Align-GVGD: "Not Available". The valine amino acid residue is found in multiple mammalian species, suggesting that this missense change does not adversely affect protein function. These predictions have not been confirmed by published functional studies and their clinical significance is uncertain. This variant has not been reported in the literature in individuals with CEP250-related conditions. This variant is present in population databases (rs372133442, ExAC 0.03%). This sequence change replaces alanine with valine at codon 2317 of the CEP250 protein (p.Ala2317Val). The alanine residue is weakly conserved and there is a small physicochemical difference between alanine and valine.